The following is an entry in ClinVar:

ClinVar aggregate classification (germline): Conflicting classifications of pathogenicity. Review status: criteria provided, conflicting classifications (1 of 4 stars). 7 submissions from 7 submitters: Likely pathogenic (2); Uncertain significance (4). 1 of the submissions does not count toward it. Last evaluated 2024-09-23.

Conditions:
3-methylcrotonyl-CoA carboxylase 1 deficiency (MCC1D). Also called: MCC 1 deficiency; 3 Alpha methylcrotonylglycinuria 1; MCCD TYPE 1; METHYLCROTONYLGLYCINURIA TYPE I. Identifiers: Orphanet 6, MedGen CN028786, MONDO:0008861, OMIM 210200.
MCCC1-related disorder. Also called: MCCC1-related condition.

Allele frequency attached by ClinVar (database versions not stated): ExAC 0.00001; gnomAD exomes 0.00001; gnomAD 0.00002 and 0.00003; TOPMed 0.00005; 1000 Genomes Project 30x 0.00016; 1000 Genomes Project 0.00020.
gnomAD v4.1: 24 of 1,613,754 alleles (0.0015%); highest among the groups gnomAD compares: Admixed American, 0.005%; no homozygotes.

Submissions (7):

Blueprint Genetics
Classification: Likely pathogenic for MCCC1-related disorders. Last evaluated: 2024-09-23. Review status: criteria provided, single submitter. Criteria: ACMG Guidelines, 2015. Collection method: clinical testing. Allele origin: germline. Affected: yes. Observed: 5 variant alleles.

Fulgent Genetics
Classification: Likely pathogenic for 3-methylcrotonyl-CoA carboxylase 1 deficiency. Last evaluated: 2024-06-23. Review status: criteria provided, single submitter. Criteria: ACMG Guidelines, 2015. Collection method: clinical testing. Allele origin: germline.

Women's Health and Genetics/Laboratory Corporation of America, LabCorp
Classification: Uncertain significance. Last evaluated: 2023-08-10. Review status: criteria provided, single submitter. Criteria: LabCorp Variant Classification Summary - May 2015. Collection method: clinical testing. Allele origin: germline.
Comment: Variant summary: MCCC1 c.388G>A (p.Gly130Ser) results in a non-conservative amino acid change located in the Biotin carboxylase-like, N-terminal domain (IPR005481) of the encoded protein sequence. Five of five in-silico tools predict a damaging effect of the variant on protein function. The variant allele was found at a frequency of 1.2e-05 in 251026 control chromosomes. c.388G>A has been reported in the literature in both homozygous and compound heterozygous individuals affected with Methylcrotonyl-CoA Carboxylase Deficiency (e.g. Fonseca_2016, Wang_2019, Wang_2019, Yang_2019). These data indicate that the variant may be associated with disease. To our knowledge, no experimental evidence demonstrating an impact on protein function has been reported. The following publications have been ascertained in the context of this evaluation (PMID: 27601257, 31737040, 31730530, 30838026). Three submitters have cited clinical-significance assessments for this variant to ClinVar after 2014. All submitters classified the variant as uncertain significance. Based on the evidence outlined above, the variant was classified as VUS-possibly pathogenic.

Labcorp Genetics (formerly Invitae), Labcorp
Classification: Uncertain significance for 3-methylcrotonyl-CoA carboxylase 1 deficiency. Last evaluated: 2023-04-06. Review status: criteria provided, single submitter. Criteria: Invitae Variant Classification Sherloc (09022015). Collection method: clinical testing. Allele origin: germline.
Comment: In summary, the available evidence is currently insufficient to determine the role of this variant in disease. Therefore, it has been classified as a Variant of Uncertain Significance. This sequence change replaces glycine, which is neutral and non-polar, with serine, which is neutral and polar, at codon 130 of the MCCC1 protein (p.Gly130Ser). This variant is present in population databases (rs202197951, gnomAD 0.007%). This missense change has been observed in individual(s) with 3-methylcrotonyl-CoA carboxylase deficiency (PMID: 27601257, 31730530). ClinVar contains an entry for this variant (Variation ID: 344315). Advanced modeling of protein sequence and biophysical properties (such as structural, functional, and spatial information, amino acid conservation, physicochemical variation, residue mobility, and thermodynamic stability) performed at Invitae indicates that this missense variant is expected to disrupt MCCC1 protein function.

PreventionGenetics, part of Exact Sciences
Classification: Uncertain significance for MCCC1-related condition. Last evaluated: 2023-02-19. Review status: criteria provided, single submitter. Criteria: ACMG Guidelines, 2015. Collection method: clinical testing. Allele origin: germline.
Comment: The MCCC1 c.388G>A variant is predicted to result in the amino acid substitution p.Gly130Ser. This variant has been reported in the homozygous state or heterozygous state with a second MCCC1 variant in two asymptomatic individuals with 3-methylcrotonyl-CoA carboxylase deficiency, identified by newborn screening (Fonseca et al. 2016. PubMed ID: 27601257; Wang et al. 2019. PubMed ID: 31730530). This variant is reported in 0.0062% of alleles in individuals of African descent in gnomAD. Although we suspect that this variant may be pathogenic, at this time, the clinical significance of this variant is uncertain due to the absence of conclusive functional and genetic evidence.

Illumina Laboratory Services, Illumina
Classification: Uncertain significance for 3-methylcrotonyl-CoA carboxylase 1 deficiency. Last evaluated: 2018-01-13. Review status: criteria provided, single submitter. Criteria: ICSL Variant Classification Criteria 13 December 2019. Collection method: clinical testing. Allele origin: germline.

Natera, Inc.
Classification: Uncertain significance for 3-methylcrotonyl-CoA carboxylase 1 deficiency. Last evaluated: 2020-12-21. Review status: no assertion criteria provided. Collection method: clinical testing. Allele origin: germline. Not counted in ClinVar's aggregate classification.

Literature cited by the submitters: PubMed 30838026 (cited by Women's Health and Genetics/Laboratory Corporation of America, LabCorp); PubMed 27601257 (cited by Women's Health and Genetics/Laboratory Corporation of America, LabCorp and Labcorp Genetics (formerly Invitae), Labcorp); PubMed 31737040 (cited by Women's Health and Genetics/Laboratory Corporation of America, LabCorp); PubMed 31730530 (cited by Women's Health and Genetics/Laboratory Corporation of America, LabCorp and Labcorp Genetics (formerly Invitae), Labcorp).

NM_020166.5(MCCC1):c.388G>A (p.Gly130Ser)

Gene: MCCC1 (methylcrotonyl-CoA carboxylase subunit 1; minus strand). Cytogenetic location: 3q27.1.
Variant type: single nucleotide variant.
Coding change: c.388G>A on transcript NM_020166.5 (MANE Select); coding-DNA position 388, G replaced by A.
Protein change: p.Gly130Ser; replaces glycine 130 with serine.
Molecular consequence: missense variant. On other transcripts: non-coding transcript variant (2), intron variant (1).
Genome position (GRCh38, 1-based): chr3:183,072,469, C>T on the plus strand (G>A on the coding strand, the complement: MCCC1 is on the minus strand). VCF-style: chr3-183072469-C-T. GRCh37 (hg19) VCF-style: chr3-182790257-C-T.
Other names: c.61G>A, p.Gly21Ser (NM_001363880.1); c.141-1112G>A (NM_001293273.2); short protein forms G130S, G21S.
Identifiers: ClinVar variation 344315 (VCV000344315.18), dbSNP rs202197951, ClinGen allele CA2719078.